The following is an entry in ClinVar:

ClinVar aggregate classification (germline): Benign. Review status: criteria provided, multiple submitters, no conflicts (2 of 4 stars). 7 submissions from 7 submitters: Benign (7). Last evaluated 2026-02-03.

Conditions:
Autosomal dominant nonsyndromic hearing loss 44. Identifiers: Orphanet 90635, MedGen C1843895, MONDO:0011832, OMIM 607453.

Allele frequency attached by ClinVar (database versions not stated): gnomAD exomes 0.53268; ExAC 0.53374; ESP Exome Variant Server 0.57235; gnomAD 0.57973 and 0.58203; TOPMed 0.59939; 1000 Genomes Project 0.64497; 1000 Genomes Project 30x 0.65162.
gnomAD v4.1: 787,340 of 1,608,742 alleles (49%); highest among the groups gnomAD compares: African/African-American, 81%; 199,260 homozygotes.

Submissions (7):

Labcorp Genetics (formerly Invitae), Labcorp
Classification: Benign. Last evaluated: 2026-02-03. Review status: criteria provided, single submitter. Criteria: Invitae Variant Classification Sherloc (09022015). Collection method: clinical testing. Allele origin: germline.

Genome-Nilou Lab
Classification: Benign for Autosomal dominant nonsyndromic hearing loss 44. Last evaluated: 2021-07-14. Review status: criteria provided, single submitter. Criteria: ACMG Guidelines, 2015. Collection method: clinical testing. Allele origin: germline. Affected: no.

Mayo Clinic Laboratories, Mayo Clinic
Classification: Benign. Last evaluated: 2019-06-24. Review status: criteria provided, single submitter. Criteria: ACMG Guidelines, 2015. Collection method: clinical testing. Allele origin: germline. Observed: 116 variant alleles.

GeneDx
Classification: Benign. Last evaluated: 2017-05-09. Review status: criteria provided, single submitter. Criteria: GeneDx Variant Classification (06012015). Collection method: clinical testing. Allele origin: germline. Affected: yes.
Comment: This variant is considered likely benign or benign based on one or more of the following criteria: it is a conservative change, it occurs at a poorly conserved position in the protein, it is predicted to be benign by multiple in silico algorithms, and/or has population frequency not consistent with disease.

Laboratory for Molecular Medicine, Mass General Brigham Personalized Medicine
Classification: Benign. Last evaluated: 2012-05-07. Review status: criteria provided, single submitter. Criteria: LMM Criteria. Collection method: clinical testing. Allele origin: germline. Observed: 1,269 variant alleles.
Comment: "Ser423Ser in Exon 10 of CCDC50: This variant is not expected to have clinical s ignificance because it does not alter an amino acid residue, is not located with in the splice consensus sequence, and has been identified in 46.1% (3233/7020) o f European American chromosomes from a broad population by the NHLBI Exome Seque ncing Project (dbSNP rs364519)."

Breakthrough Genomics
Classification: Benign. Review status: criteria provided, single submitter. Criteria: ACMG Guidelines, 2015. Collection method: not provided. Allele origin: germline. Inheritance: Autosomal dominant inheritance. Affected: yes.

PreventionGenetics, part of Exact Sciences
Classification: Benign. Review status: criteria provided, single submitter. Criteria: ACMG Guidelines, 2015. Collection method: clinical testing. Allele origin: germline.

NM_178335.3(CCDC50):c.1269C>A (p.Ser423=)

Gene: CCDC50 (coiled-coil domain containing 50; plus strand). Cytogenetic location: 3q28.
Variant type: single nucleotide variant.
Coding change: c.1269C>A on transcript NM_178335.3 (MANE Select); coding-DNA position 1269, C replaced by A.
Protein change: p.Ser423=; no amino-acid change (serine 423 retained).
Molecular consequence: synonymous variant.
Genome position (GRCh38, 1-based): chr3:191,382,772, C>A. VCF-style: chr3-191382772-C-A. GRCh37 (hg19) VCF-style: chr3-191100561-C-A.
Other names: p.Ser423=; c.741C>A, p.Ser247= (NM_174908.4).
Identifiers: ClinVar variation 48151 (VCV000048151.17), dbSNP rs364519, ClinGen allele CA142708.